The following is an entry in ClinVar:

NM_000256.3(MYBPC3):c.1792G>A (p.Val598Ile)

Gene: MYBPC3 (myosin binding protein C3; minus strand). Cytogenetic location: 11p11.2.
Variant type: single nucleotide variant.
Coding change: c.1792G>A on transcript NM_000256.3 (MANE Select); coding-DNA position 1792, G replaced by A.
Protein change: p.Val598Ile; replaces valine 598 with isoleucine.
Molecular consequence: missense variant.
Genome position (GRCh38, 1-based): chr11:47,341,243, C>T on the plus strand (G>A on the coding strand, the complement: MYBPC3 is on the minus strand). VCF-style: chr11-47341243-C-T. GRCh37 (hg19) VCF-style: chr11-47362794-C-T.
Other names: short protein forms V598I.
Identifiers: ClinVar variation 933676 (VCV000933676.7), dbSNP rs1213708580, ClinGen allele CA380324096.

ClinVar aggregate classification (germline): Uncertain significance (1 of 4 stars; one submission).

Conditions:
Hypertrophic cardiomyopathy. Also called: HYPERTROPHIC MYOCARDIOPATHY. Identifiers: Orphanet 217569, MedGen C0007194, MeSH D002312, MONDO:0005045, HP:0001639.

Allele frequency attached by ClinVar (database versions not stated): gnomAD exomes below 0.00001 and 0.00002; TOPMed below 0.00001; gnomAD 0.00001.
gnomAD v4.1: 3 of 1,580,232 alleles (0.00019%); highest among the groups gnomAD compares: East Asian, 0.007%; no homozygotes.

Submission:

Labcorp Genetics (formerly Invitae), Labcorp
Classification: Uncertain significance for Hypertrophic cardiomyopathy. Last evaluated: 2021-08-30. Review status: criteria provided, single submitter. Criteria: Invitae Variant Classification Sherloc (09022015). Collection method: clinical testing. Allele origin: germline.
Comment: This sequence change replaces valine with isoleucine at codon 598 of the MYBPC3 protein (p.Val598Ile). The valine residue is highly conserved and there is a small physicochemical difference between valine and isoleucine. This variant is not present in population databases (ExAC no frequency). This variant has not been reported in the literature in individuals affected with MYBPC3-related conditions. Algorithms developed to predict the effect of missense changes on protein structure and function (SIFT, PolyPhen-2, Align-GVGD) all suggest that this variant is likely to be tolerated. In summary, the available evidence is currently insufficient to determine the role of this variant in disease. Therefore, it has been classified as a Variant of Uncertain Significance.